The following is an entry in ClinVar:

ClinVar aggregate classification (germline): Uncertain significance (1 of 4 stars; one submission).

Conditions:
Gorlin syndrome. Also called: Basal cell nevus syndrome; Nevoid Basal Cell Carcinoma Syndrome. Identifiers: Orphanet 377, MedGen C0004779, MONDO:0007187.

Allele frequency attached by ClinVar (database versions not stated): 1000 Genomes Project 30x 0.00016.
gnomAD v4.1: 1 of 1,613,970 alleles (0.000062%); highest among the groups gnomAD compares: Admixed American, 0.0017%; no homozygotes.

Submission:

Labcorp Genetics (formerly Invitae), Labcorp
Classification: Uncertain significance for Gorlin syndrome. Last evaluated: 2021-08-03. Review status: criteria provided, single submitter. Criteria: Invitae Variant Classification Sherloc (09022015). Collection method: clinical testing. Allele origin: germline.
Comment: In summary, the available evidence is currently insufficient to determine the role of this variant in disease. Therefore, it has been classified as a Variant of Uncertain Significance. Algorithms developed to predict the effect of missense changes on protein structure and function (SIFT, PolyPhen-2, Align-GVGD) all suggest that this variant is likely to be tolerated. This variant has not been reported in the literature in individuals affected with PTCH2-related conditions. This variant is present in population databases (rs2295996, ExAC 0.009%). This sequence change replaces aspartic acid with glutamic acid at codon 829 of the PTCH2 protein (p.Asp829Glu). The aspartic acid residue is weakly conserved and there is a small physicochemical difference between aspartic acid and glutamic acid.

NM_003738.5(PTCH2):c.2487C>A (p.Asp829Glu)

Gene: PTCH2 (patched 2; minus strand). Cytogenetic location: 1p34.1.
Variant type: single nucleotide variant.
Coding change: c.2487C>A on transcript NM_003738.5 (MANE Select); coding-DNA position 2487, C replaced by A.
Protein change: p.Asp829Glu; replaces aspartic acid 829 with glutamic acid.
Molecular consequence: missense variant.
Genome position (GRCh38, 1-based): chr1:44,827,194, G>T on the plus strand (C>A on the coding strand, the complement: PTCH2 is on the minus strand). VCF-style: chr1-44827194-G-T. GRCh37 (hg19) VCF-style: chr1-45292866-G-T.
Other names: c.2487C>A, p.Asp829Glu (NM_001166292.2); short protein forms D829E.
Identifiers: ClinVar variation 1509908 (VCV001509908.6), dbSNP rs2295996, ClinGen allele CA822991.